The following is an entry in ClinVar:

ClinVar aggregate classification (germline): Uncertain significance (1 of 4 stars; one submission).

Allele frequency attached by ClinVar (database versions not stated): gnomAD exomes 0.00001.
gnomAD v4.1: 12 of 1,595,310 alleles (0.00075%); highest among the groups gnomAD compares: Non-Finnish European, 0.001%; no homozygotes.

Submission:

Labcorp Genetics (formerly Invitae), Labcorp
Classification: Uncertain significance. Last evaluated: 2022-11-20. Review status: criteria provided, single submitter. Criteria: Invitae Variant Classification Sherloc (09022015). Collection method: clinical testing. Allele origin: germline.
Comment: Advanced modeling of protein sequence and biophysical properties (such as structural, functional, and spatial information, amino acid conservation, physicochemical variation, residue mobility, and thermodynamic stability) performed at Invitae indicates that this missense variant is expected to disrupt DNA2 protein function. In summary, the available evidence is currently insufficient to determine the role of this variant in disease. Therefore, it has been classified as a Variant of Uncertain Significance. ClinVar contains an entry for this variant (Variation ID: 1427715). This variant has not been reported in the literature in individuals affected with DNA2-related conditions. This variant is not present in population databases (gnomAD no frequency). This sequence change replaces leucine, which is neutral and non-polar, with histidine, which is basic and polar, at codon 895 of the DNA2 protein (p.Leu895His).

NM_001080449.3(DNA2):c.2684T>A (p.Leu895His)

Gene: DNA2 (DNA replication helicase/nuclease 2; minus strand). Cytogenetic location: 10q21.3.
Variant type: single nucleotide variant.
Coding change: c.2684T>A on transcript NM_001080449.3 (MANE Select); coding-DNA position 2684, T replaced by A.
Protein change: p.Leu895His; replaces leucine 895 with histidine.
Molecular consequence: missense variant. On other transcripts: non-coding transcript variant (1).
Genome position (GRCh38, 1-based): chr10:68,422,238, A>T on the plus strand (T>A on the coding strand, the complement: DNA2 is on the minus strand). VCF-style: chr10-68422238-A-T. GRCh37 (hg19) VCF-style: chr10-70181995-A-T.
Other names: short protein forms L895H.
Identifiers: ClinVar variation 1427715 (VCV001427715.6), dbSNP rs2133361599, ClinGen allele CA376844773.